The following is an entry in ClinVar:

ClinVar aggregate classification (germline): Likely pathogenic (1 of 4 stars; one submission).

Conditions:
Developmental and epileptic encephalopathy, 11 (DEE11). Also called: Early infantile epileptic encephalopathy 11. Identifiers: Orphanet 1934, MedGen C3150987, MONDO:0013388, OMIM 613721.

Submission:

Victorian Clinical Genetics Services, Murdoch Childrens Research Institute
Classification: Likely pathogenic for Developmental and epileptic encephalopathy, 11. Last evaluated: 2022-06-24. Review status: criteria provided, single submitter. Criteria: ACMG Guidelines, 2015. Collection method: clinical testing. Allele origin: germline. Inheritance: Autosomal dominant inheritance. Affected: yes.
Comment: Based on the classification scheme VCGS_Germline_v1.3.4, this variant is classified as Likely pathogenic. Following criteria are met: 0103 - Loss of function and gain of function are known mechanisms of disease in this gene and are associated with SCN2A-related disorders. Variants causing a gain of function result in either developmental and epileptic encephalopathy 11 (MIM#613721) or benign familial infantile seizures 3 (MIM#607745), whereas variants displaying a loss of function cause austism spectrum disorder and/or intellectual disability, with or without childhood-onset seizures; the functional consequence of truncating variants is unknown (OMIM, PMID: 29691040). 0107 - This gene is associated with autosomal dominant disease. (I) 0213 - In-frame deletion in a non-repetitive region that has high conservation. (SP) 0251 - This variant is heterozygous. (I) 0301 - Variant is absent from gnomAD (both v2 and v3). (SP) 0600 - Variant partially overlaps the annotated ion transport domain (DECIPHER). (I) 0705 - No comparable in frame deletion variants in the deleted region have previous evidence for pathogenicity. (I) 0807 - This variant has no previous evidence of pathogenicity. (I) 0905 - No published segregation evidence has been identified for this variant. (I) 1007 - No published functional evidence has been identified for this variant. (SP) Legend: (SP) - Supporting pathogenic, (I) - Information, (SB) - Supporting benign

Literature cited by the submitters: PubMed 29691040.

NM_001040142.2(SCN2A):c.4579_4602del (p.Phe1527_Asp1534del)

Gene: SCN2A (sodium voltage-gated channel alpha subunit 2; plus strand). Cytogenetic location: 2q24.3.
Variant type: Deletion.
Coding change: c.4579_4602del on transcript NM_001040142.2 (MANE Select); coding-DNA positions 4579 to 4602, 24 bases deleted (TTTGTAACCAAACAAGTCTTTGAT).
Protein change: p.Phe1527_Asp1534del.
Molecular consequence: inframe deletion.
Genome position (GRCh38, 1-based): chr2:165,386,773-165,386,796, TTTGTAACCAAACAAGTCTTTGAT deleted; deleting any 24 consecutive bases within chr2:165,386,764-165,386,796 gives the same sequence; the c. name uses the placement nearest the transcript's 3' end. VCF-style (leftmost placement, unchanged base first): chr2-165386763-GGTCTTTGATTTTGTAACCAAACAA-G. GRCh37 (hg19) VCF-style: chr2-166243273-GGTCTTTGATTTTGTAACCAAACAA-G.
Other names: c.4579_4602del, p.Phe1527_Asp1534del (NM_001040143.2, NM_001371246.1, NM_001371247.1 and 1 more transcripts).
Identifiers: ClinVar variation 1699078 (VCV001699078.3), dbSNP rs2105398203, ClinGen allele CA2573130278.